The following is an entry in ClinVar:

NM_002439.5(MSH3):c.3035C>A (p.Pro1012Gln)

Gene: MSH3 (mutS homolog 3; plus strand). Cytogenetic location: 5q14.1.
Variant type: single nucleotide variant.
Coding change: c.3035C>A on transcript NM_002439.5 (MANE Select); coding-DNA position 3035, C replaced by A.
Protein change: p.Pro1012Gln; replaces proline 1012 with glutamine.
Molecular consequence: missense variant.
Genome position (GRCh38, 1-based): chr5:80,864,847, C>A. VCF-style: chr5-80864847-C-A. GRCh37 (hg19) VCF-style: chr5-80160666-C-A.
Other names: short protein forms P1012Q.
Identifiers: ClinVar variation 2565644 (VCV002565644.2), dbSNP rs371367632, ClinGen allele CA360346164.
Genomic context (GRCh38, chr5:80,864,847, plus strand): 5'-ACATTTATTCTGTCTTATTGCTTTAGGTGAAATCCTTAACCCTGTTTGTCACCCATTATC[C>A]GCCAGTTTGTGAACTAGAAAAAAATTACTCACACCAGGTGGGGAATTACCACATGGGATT-3'
Protein context (NP_002430.3, residues 1002-1022): KSLTLFVTHY[Pro1012Gln]PVCELEKNYS

ClinVar aggregate classification (germline): Uncertain significance (1 of 4 stars; one submission).

Conditions:
Hereditary cancer-predisposing syndrome. Also called: Neoplastic Syndromes, Hereditary; Hereditary Cancer Syndrome; Hereditary neoplastic syndrome; Tumor predisposition. Identifiers: Orphanet 140162, MedGen C0027672, MeSH D009386, MONDO:0015356.

gnomAD v4.1: 1 of 1,612,694 alleles (0.000062%); highest among the groups gnomAD compares: African/African-American, 0.0013%; no homozygotes.

Submission:

Ambry Genetics
Classification: Uncertain significance for Hereditary cancer-predisposing syndrome. Last evaluated: 2023-03-31. Review status: criteria provided, single submitter. Criteria: Ambry Variant Classification Scheme 2023. Collection method: clinical testing. Allele origin: germline.
Comment: The p.P1012Q variant (also known as c.3035C>A), located in coding exon 22 of the MSH3 gene, results from a C to A substitution at nucleotide position 3035. The proline at codon 1012 is replaced by glutamine, an amino acid with similar properties. This amino acid position is conserved. In addition, the in silico prediction for this alteration is inconclusive. Since supporting evidence is limited at this time, the clinical significance of this alteration remains unclear.